The following is an entry in ClinVar:

ClinVar aggregate classification (germline): Uncertain significance (1 of 4 stars; one submission).

Conditions:
Infantile myofibromatosis (IMF). Also called: Congenital generalized fibromatosis. Identifiers: Orphanet 2591, MedGen C0432284, MONDO:0016824.
Skeletal overgrowth-craniofacial dysmorphism-hyperelastic skin-white matter lesions syndrome. Also called: SKELETAL OVERGROWTH WITH FACIAL DYSMORPHISM, HYPERELASTIC SKIN, WHITE MATTER LESIONS, AND NEUROLOGIC DETERIORATION; Kosaki overgrowth syndrome. Identifiers: Orphanet 477831, MedGen C4225270, MONDO:0014704, OMIM 616592.
Acroosteolysis-keloid-like lesions-premature aging syndrome. Also called: Premature aging syndrome, Penttinen type; Prematurely aged appearance, delayed bone maturation, acro-osteolysis, and brachydactyly; Progeroid syndrome, Penttinen type. Identifiers: Orphanet 363665, MedGen C1866182, MONDO:0011150, OMIM 601812.
Basal ganglia calcification, idiopathic, 4 (PFBC4). Also called: Familial Idiopathic Basal Ganglia Calcification 4; PRIMARY FAMILIAL BRAIN CALCIFICATION 4, AUTOSOMAL DOMINANT. Identifiers: Orphanet 1980, MedGen C3554321, MONDO:0014004, OMIM 615007.

Submission:

Labcorp Genetics (formerly Invitae), Labcorp
Classification: Uncertain significance for Basal ganglia calcification, idiopathic, 4; Skeletal overgrowth-craniofacial dysmorphism-hyperelastic skin-white matter lesions syndrome; Infantile myofibromatosis; Acroosteolysis-keloid-like lesions-premature aging syndrome. Last evaluated: 2024-10-15. Review status: criteria provided, single submitter. Criteria: Invitae Variant Classification Sherloc (09022015). Collection method: clinical testing. Allele origin: germline.
Comment: This variant, c.3256_3257insCGGAGC, results in the insertion of 2 amino acid(s) of the PDGFRB protein (p.Pro1084_Glu1085dup), but otherwise preserves the integrity of the reading frame. This variant is not present in population databases (gnomAD no frequency). This variant has not been reported in the literature in individuals affected with PDGFRB-related conditions. ClinVar contains an entry for this variant (Variation ID: 1999371). In summary, the available evidence is currently insufficient to determine the role of this variant in disease. Therefore, it has been classified as a Variant of Uncertain Significance.

NM_002609.4(PDGFRB):c.3256_3257insCGGAGC (p.Glu1085_Leu1086insProGlu)

Gene: PDGFRB (platelet derived growth factor receptor beta; minus strand). Cytogenetic location: 5q32.
Variant type: Insertion.
Coding change: c.3256_3257insCGGAGC on transcript NM_002609.4 (MANE Select); coding-DNA positions 3256 to 3257, CGGAGC inserted.
Protein change: p.Glu1085_Leu1086insProGlu.
Molecular consequence: inframe insertion.
Genome position: GRCh38 VCF-style: chr5-150115827-A-AGCTCCG. GRCh37 (hg19) VCF-style: chr5-149495390-A-AGCTCCG.
Other names: c.3064_3065insCGGAGC, p.Glu1021_Leu1022insProGlu (NM_001355016.2); c.2773_2774insCGGAGC, p.Glu924_Leu925insProGlu (NM_001355017.2).
Identifiers: ClinVar variation 1999371 (VCV001999371.4), dbSNP rs1238695788, ClinGen allele CA805574770.